The following is an entry in ClinVar:

ClinVar aggregate classification (germline): Uncertain significance (1 of 4 stars; one submission).

Conditions:
Inborn genetic diseases. Identifiers: MedGen C0950123, MeSH D030342.

Submission:

Ambry Genetics
Classification: Uncertain significance for Inborn genetic diseases. Last evaluated: 2025-11-03. Review status: criteria provided, single submitter. Criteria: Ambry Variant Classification Scheme 2023. Collection method: clinical testing. Allele origin: germline.
Comment: The p.R211P variant (also known as c.632G>C), located in coding exon 5 of the ETV6 gene, results from a G to C substitution at nucleotide position 632. The arginine at codon 211 is replaced by proline, an amino acid with dissimilar properties. This amino acid position is conserved. In addition, this alteration is predicted to be tolerated by in silico analysis. Based on the available evidence, the clinical significance of this variant remains unclear.

NM_001987.5(ETV6):c.632G>C (p.Arg211Pro)

Gene: ETV6 (ETS variant transcription factor 6; plus strand). Cytogenetic location: 12p13.2.
Variant type: single nucleotide variant.
Coding change: c.632G>C on transcript NM_001987.5 (MANE Select); coding-DNA position 632, G replaced by C.
Protein change: p.Arg211Pro; replaces arginine 211 with proline.
Molecular consequence: missense variant.
Genome position (GRCh38, 1-based): chr12:11,869,592, G>C. VCF-style: chr12-11869592-G-C. GRCh37 (hg19) VCF-style: chr12-12022526-G-C.
Other names: c.629G>C, p.Arg210Pro (NM_001413913.1); c.605G>C, p.Arg202Pro (NM_001413914.1); c.368G>C, p.Arg123Pro (NM_001413915.1); c.632G>C, p.Arg211Pro (NM_001413916.1, NM_001413917.1); short protein forms R211P, R210P, R123P, R202P.
Identifiers: ClinVar variation 4618867 (VCV004618867.1).